The following is an entry in ClinVar:

ClinVar aggregate classification (germline): Uncertain significance (1 of 4 stars; one submission).

Submission:

Ambry Genetics
Classification: Uncertain significance. Last evaluated: 2024-07-18. Review status: criteria provided, single submitter. Criteria: Ambry Variant Classification Scheme 2023. Collection method: clinical testing. Allele origin: germline.
Comment: The p.G501D variant (also known as c.1502G>A), located in coding exon 3 of the ALPK2 gene, results from a G to A substitution at nucleotide position 1502. The glycine at codon 501 is replaced by aspartic acid, an amino acid with similar properties. This amino acid position is conserved. In addition, this alteration is predicted to be tolerated by in silico analysis. Based on the available evidence, the clinical significance of this variant remains unclear.

NM_052947.4(ALPK2):c.1502G>A (p.Gly501Asp)

Gene: ALPK2 (alpha kinase 2; minus strand). Cytogenetic location: 18q21.31.
Variant type: single nucleotide variant.
Coding change: c.1502G>A on transcript NM_052947.4 (MANE Select); coding-DNA position 1502, G replaced by A.
Protein change: p.Gly501Asp; replaces glycine 501 with aspartic acid.
Molecular consequence: missense variant.
Genome position (GRCh38, 1-based): chr18:58,579,274, C>T on the plus strand (G>A on the coding strand, the complement: ALPK2 is on the minus strand). VCF-style: chr18-58579274-C-T. GRCh37 (hg19) VCF-style: chr18-56246506-C-T.
Other names: short protein forms G501D.
Identifiers: ClinVar variation 3530829 (VCV003530829.1).